The following is an entry in ClinVar:

ClinVar aggregate classification (germline): Uncertain significance (1 of 4 stars; one submission).

Submission:

GeneDx
Classification: Uncertain significance. Last evaluated: 2023-11-02. Review status: criteria provided, single submitter. Criteria: GeneDx Variant Classification Process June 2021. Collection method: clinical testing. Allele origin: germline. Affected: yes.
Comment: Not observed at significant frequency in large population cohorts (gnomAD); In silico analysis supports that this missense variant has a deleterious effect on protein structure/function; Has not been previously published as pathogenic or benign to our knowledge

NM_001393769.1(MED12L):c.1328C>T (p.Ser443Leu)

Gene: MED12L (mediator complex subunit 12L; plus strand). Cytogenetic location: 3q25.1.
Variant type: single nucleotide variant.
Coding change: c.1328C>T on transcript NM_001393769.1 (MANE Select); coding-DNA position 1328, C replaced by T.
Protein change: p.Ser443Leu; replaces serine 443 with leucine.
Molecular consequence: missense variant.
Genome position (GRCh38, 1-based): chr3:151,165,490, C>T. VCF-style: chr3-151165490-C-T. GRCh37 (hg19) VCF-style: chr3-150883277-C-T.
Other names: c.1328C>T, p.Ser443Leu (NM_053002.6); short protein forms S443L.
Identifiers: ClinVar variation 3363456 (VCV003363456.1).